The following is an entry in ClinVar:

ClinVar aggregate classification (germline): Pathogenic (1 of 4 stars; one submission).

Submission:

Labcorp Genetics (formerly Invitae), Labcorp
Classification: Pathogenic. Last evaluated: 2022-06-23. Review status: criteria provided, single submitter. Criteria: Invitae Variant Classification Sherloc (09022015). Collection method: clinical testing. Allele origin: germline.
Comment: For these reasons, this variant has been classified as Pathogenic. Algorithms developed to predict the effect of sequence changes on RNA splicing suggest that this variant may disrupt the consensus splice site. This sequence change creates a premature translational stop signal (p.Arg629Profs*25) in the ELP1 gene. It is expected to result in an absent or disrupted protein product. Loss-of-function variants in ELP1 are known to be pathogenic (PMID: 18303054, 24173031). This variant is not present in population databases (gnomAD no frequency). This variant has not been reported in the literature in individuals affected with ELP1-related conditions.

Literature cited by the submitters: PubMed 18303054; PubMed 24173031.

NM_003640.5(ELP1):c.1886del (p.Arg629fs)

Gene: ELP1 (elongator acetyltransferase complex subunit 1; minus strand). Cytogenetic location: 9q31.3.
Variant type: Deletion.
Coding change: c.1886del on transcript NM_003640.5 (MANE Select); coding-DNA position 1886, one base deleted (G; older notation c.1886delG).
Protein change: p.Arg629fs; shifts the reading frame from arginine 629.
Molecular consequence: frameshift variant.
Genome position (GRCh38, 1-based): chr9:108,901,650, C deleted on the plus strand (G on the coding strand, the reverse complement: ELP1 is on the minus strand). VCF-style (leftmost placement, unchanged base first): chr9-108901649-GC-G. GRCh37 (hg19) VCF-style: chr9-111663929-GC-G.
Other names: c.1544del, p.Arg515fs (NM_001318360.2); c.839del, p.Arg280fs (NM_001330749.2); short protein forms R280fs, R515fs, R629fs.
Identifiers: ClinVar variation 2119096 (VCV002119096.4), dbSNP rs2537903133, ClinGen allele CA2580079358.